The following is an entry in ClinVar:

ClinVar aggregate classification (germline): Uncertain significance (1 of 4 stars; one submission).

Conditions:
DNA ligase IV deficiency. Identifiers: Orphanet 99812, MedGen C1847827, MONDO:0011686, OMIM 606593.

Submission:

Labcorp Genetics (formerly Invitae), Labcorp
Classification: Uncertain significance for DNA ligase IV deficiency. Last evaluated: 2022-02-08. Review status: criteria provided, single submitter. Criteria: Invitae Variant Classification Sherloc (09022015). Collection method: clinical testing. Allele origin: germline.
Comment: This variant is not present in population databases (gnomAD no frequency). This variant has not been reported in the literature in individuals affected with LIG4-related conditions. Algorithms developed to predict the effect of missense changes on protein structure and function (SIFT, PolyPhen-2, Align-GVGD) all suggest that this variant is likely to be disruptive. In summary, the available evidence is currently insufficient to determine the role of this variant in disease. Therefore, it has been classified as a Variant of Uncertain Significance. This sequence change replaces leucine, which is neutral and non-polar, with proline, which is neutral and non-polar, at codon 70 of the LIG4 protein (p.Leu70Pro).

NM_206937.2(LIG4):c.209T>C (p.Leu70Pro)

Gene: LIG4 (DNA ligase 4; minus strand). Cytogenetic location: 13q33.3.
Variant type: single nucleotide variant.
Coding change: c.209T>C on transcript NM_206937.2 (MANE Select); coding-DNA position 209, T replaced by C.
Protein change: p.Leu70Pro; replaces leucine 70 with proline.
Molecular consequence: missense variant.
Genome position (GRCh38, 1-based): chr13:108,211,060, A>G on the plus strand (T>C on the coding strand, the complement: LIG4 is on the minus strand). VCF-style: chr13-108211060-A-G. GRCh37 (hg19) VCF-style: chr13-108863408-A-G.
Other names: c.209T>C, p.Leu70Pro (NM_001098268.2, NM_001352598.2, NM_001352599.2 and 6 more transcripts); c.8T>C, p.Leu3Pro (NM_001330595.2); c.245T>C, p.Leu82Pro (NM_001352604.2); short protein forms L82P, L3P, L70P.
Identifiers: ClinVar variation 1478669 (VCV001478669.8), dbSNP rs2138980832, ClinGen allele CA388624022.